The following is an entry in ClinVar:

NM_005228.5(EGFR):c.2602G>A (p.Glu868Lys)

Gene: EGFR (epidermal growth factor receptor; plus strand). Cytogenetic location: 7p11.2.
Variant type: single nucleotide variant.
Coding change: c.2602G>A on transcript NM_005228.5 (MANE Select); coding-DNA position 2602, G replaced by A.
Protein change: p.Glu868Lys; replaces glutamic acid 868 with lysine.
Molecular consequence: missense variant.
Genome position (GRCh38, 1-based): chr7:55,191,851, G>A. VCF-style: chr7-55191851-G-A. GRCh37 (hg19) VCF-style: chr7-55259544-G-A.
Other names: c.2467G>A, p.Glu823Lys (NM_001346897.2, NM_001346899.2); c.2602G>A, p.Glu868Lys (NM_001346898.2); c.2443G>A, p.Glu815Lys (NM_001346900.2); c.1801G>A, p.Glu601Lys (NM_001346941.2); short protein forms E868K, E601K, E815K, E823K.
Identifiers: ClinVar variation 132950 (VCV000132950.2), dbSNP rs104886013, ClinGen allele CA269859.

ClinVar aggregate classification (germline): not provided (0 of 4 stars; one submission).

Conditions:
Familial cancer of breast. Also called: BREAST CANCER, FAMILIAL; hereditary breast carcinoma; Hereditary breast cancer. Identifiers: Orphanet 227535, MedGen C0346153, MONDO:0016419, OMIM 114480. Disease mechanism: loss of function.

Allele frequency attached by ClinVar (database versions not stated): gnomAD 0.00001.
gnomAD v4.1: 1 of 1,613,862 alleles (0.000062%); highest among the groups gnomAD compares: Non-Finnish European, 0.000085%; no homozygotes.

Submission:

Laboratory of Translational Genomics,  National Cancer Institute
No classification provided. Condition: Familial cancer of breast. Review status: no classification provided. Collection method: not provided. Allele origin: somatic.
Comment: Breast Cancer specimen